The following is an entry in ClinVar:

NM_002180.3(IGHMBP2):c.861C>T (p.Ser287=)

Gene: IGHMBP2 (immunoglobulin mu DNA binding protein 2; plus strand). Cytogenetic location: 11q13.3.
Variant type: single nucleotide variant.
Coding change: c.861C>T on transcript NM_002180.3 (MANE Select); coding-DNA position 861, C replaced by T.
Protein change: p.Ser287=; no amino-acid change (serine 287 retained).
Molecular consequence: synonymous variant.
Genome position (GRCh38, 1-based): chr11:68,914,972, C>T. VCF-style: chr11-68914972-C-T. GRCh37 (hg19) VCF-style: chr11-68682440-C-T.
Identifiers: ClinVar variation 759585 (VCV000759585.11), dbSNP rs564645287, ClinGen allele CA6153414.

ClinVar aggregate classification (germline): Likely benign. Review status: criteria provided, multiple submitters, no conflicts (2 of 4 stars). 3 submissions from 3 submitters: Likely benign (3). Last evaluated 2026-08-28.

Conditions:
IGHMBP2-related disorder. Also called: IGHMBP2-related condition; IGHMBP2-related disorders.
Charcot-Marie-Tooth disease axonal type 2S. Also called: CHARCOT-MARIE-TOOTH NEUROPATHY, TYPE 2S; CHARCOT-MARIE-TOOTH DISEASE, AXONAL, AUTOSOMAL RECESSIVE, TYPE 2S. Identifiers: Orphanet 443073, MedGen C4015349, MONDO:0014511, OMIM 616155.
Autosomal recessive distal spinal muscular atrophy 1. Also called: NEURONOPATHY, SEVERE INFANTILE AXONAL, WITH RESPIRATORY FAILURE; NEURONOPATHY, DISTAL HEREDITARY MOTOR, HARDING TYPE VI; NEUROPATHY, DISTAL HEREDITARY MOTOR, AUTOSOMAL RECESSIVE 1; SEVERE INFANTILE AXONAL NEUROPATHY WITH RESPIRATORY FAILURE; SPINAL MUSCULAR ATROPHY, DIAPHRAGMATIC; Spinal muscular atrophy with respiratory distress 1. Identifiers: Orphanet 98920, MedGen C1858517, MONDO:0011436, OMIM 604320.

Allele frequency attached by ClinVar (database versions not stated): TOPMed 0.00005.
gnomAD v4.1: 25 of 1,614,096 alleles (0.0015%); highest among the groups gnomAD compares: East Asian, 0.029%; no homozygotes.

Submissions (3):

PreventionGenetics, part of Exact Sciences
Classification: Likely benign for IGHMBP2-related condition. Last evaluated: 2026-08-28. Review status: criteria provided, single submitter. Criteria: ACMG Guidelines, 2015. Collection method: clinical testing. Allele origin: germline.
Comment: This variant is classified as likely benign based on ACMG/AMP sequence variant interpretation guidelines (Richards et al. 2015 PMID: 25741868, with internal and published modifications).

Labcorp Genetics (formerly Invitae), Labcorp
Classification: Likely benign for Autosomal recessive distal spinal muscular atrophy 1; Charcot-Marie-Tooth disease axonal type 2S. Last evaluated: 2024-11-11. Review status: criteria provided, single submitter. Criteria: Invitae Variant Classification Sherloc (09022015). Collection method: clinical testing. Allele origin: germline.

Blueprint Genetics
Classification: Likely benign. Last evaluated: 2023-12-06. Review status: criteria provided, single submitter. Criteria: ACMG Guidelines, 2015. Collection method: clinical testing. Allele origin: germline.